The following is an entry in ClinVar:

ClinVar aggregate classification (germline): Uncertain significance (1 of 4 stars; one submission).

Conditions:
Early-infantile DEE. Also called: Early infantile epileptic encephalopathy; Ohtahara syndrome; Early infantile epileptic encephalopathy with suppression bursts. Identifiers: Orphanet 1934, MedGen C0393706, MONDO:0800491.

Submission:

Labcorp Genetics (formerly Invitae), Labcorp
Classification: Uncertain significance for Early-infantile DEE. Last evaluated: 2025-03-19. Review status: criteria provided, single submitter. Criteria: Invitae Variant Classification Sherloc (09022015). Collection method: clinical testing. Allele origin: germline.
Comment: This variant, c.216_224dup, results in the insertion of 3 amino acid(s) of the HCN1 protein (p.Gly74_Glu75insAspGlyGly), but otherwise preserves the integrity of the reading frame. This variant is not present in population databases (gnomAD no frequency). This variant has not been reported in the literature in individuals affected with HCN1-related conditions. ClinVar contains an entry for this variant (Variation ID: 1442798). Experimental studies and prediction algorithms are not available or were not evaluated, and the functional significance of this variant is currently unknown. In summary, the available evidence is currently insufficient to determine the role of this variant in disease. Therefore, it has been classified as a Variant of Uncertain Significance.

NM_021072.4(HCN1):c.216_224dup (p.Gly74_Glu75insAspGlyGly)

Gene: HCN1 (hyperpolarization activated cyclic nucleotide gated potassium channel 1; minus strand). Cytogenetic location: 5p12.
Variant type: Duplication.
Coding change: c.216_224dup on transcript NM_021072.4 (MANE Select); coding-DNA positions 216 to 224, 9 bases duplicated (CGGCGGCGA; older notation c.216_224dupCGGCGGCGA).
Protein change: p.Gly74_Glu75insAspGlyGly.
Molecular consequence: inframe insertion.
Genome position (GRCh38, 1-based): chr5:45,695,870-45,695,878, TCGCCGCCG duplicated on the plus strand (CGGCGGCGA on the coding strand, the reverse complement: HCN1 is on the minus strand). VCF-style (leftmost placement, unchanged base first): chr5-45695869-C-CTCGCCGCCG. GRCh37 (hg19) VCF-style: chr5-45695971-C-CTCGCCGCCG.
Identifiers: ClinVar variation 1442798 (VCV001442798.9), dbSNP rs2112109175, ClinGen allele CA444402125.